The following is an entry in ClinVar:

NM_004700.4(KCNQ4):c.777T>C (p.Ala259=)

Gene: KCNQ4 (potassium voltage-gated channel subfamily Q member 4; plus strand). Cytogenetic location: 1p34.2.
Variant type: single nucleotide variant.
Coding change: c.777T>C on transcript NM_004700.4 (MANE Select); coding-DNA position 777, T replaced by C.
Protein change: p.Ala259=; no amino-acid change (alanine 259 retained).
Molecular consequence: synonymous variant.
Genome position (GRCh38, 1-based): chr1:40,819,415, T>C. VCF-style: chr1-40819415-T-C. GRCh37 (hg19) VCF-style: chr1-41285087-T-C.
Other names: p.Ala259=; c.777T>C, p.Ala259= (NM_172163.3).
Identifiers: ClinVar variation 45105 (VCV000045105.19), dbSNP rs4660468, ClinGen allele CA135535.

ClinVar aggregate classification (germline): Benign. Review status: criteria provided, multiple submitters, no conflicts (2 of 4 stars). 10 submissions from 10 submitters: Benign (7). 3 of the submissions do not count toward it. Last evaluated 2026-02-04.

Conditions:
Autosomal dominant nonsyndromic hearing loss 2A. Also called: Autosomal dominant nonsyndromic deafness 2A; DFNA2 Nonsyndromic Hearing Loss; Deafness, autosomal dominant 2A. Identifiers: Orphanet 90635, MedGen C2677637, MONDO:0010817, OMIM 600101.

Allele frequency attached by ClinVar (database versions not stated): 1000 Genomes Project 30x 0.56168; 1000 Genomes Project 0.56330; TOPMed 0.63571; gnomAD 0.65097 and 0.65693; ExAC 0.65118; ESP Exome Variant Server 0.67630.
gnomAD v4.1: 1,116,302 of 1,613,444 alleles (69%); highest among the groups gnomAD compares: Non-Finnish European, 73%; 391,549 homozygotes.

Submissions (10):

Labcorp Genetics (formerly Invitae), Labcorp
Classification: Benign. Last evaluated: 2026-02-04. Review status: criteria provided, single submitter. Criteria: Invitae Variant Classification Sherloc (09022015). Collection method: clinical testing. Allele origin: germline.

Genome-Nilou Lab
Classification: Benign for Autosomal dominant nonsyndromic hearing loss 2A. Last evaluated: 2021-08-19. Review status: criteria provided, single submitter. Criteria: ACMG Guidelines, 2015. Collection method: clinical testing. Allele origin: germline. Affected: no.

Mayo Clinic Laboratories, Mayo Clinic
Classification: Benign. Last evaluated: 2019-05-17. Review status: criteria provided, single submitter. Criteria: ACMG Guidelines, 2015. Collection method: clinical testing. Allele origin: germline. Observed: 146 variant alleles.

GeneDx
Classification: Benign. Last evaluated: 2017-05-09. Review status: criteria provided, single submitter. Criteria: GeneDx Variant Classification (06012015). Collection method: clinical testing. Allele origin: germline. Affected: yes.
Comment: This variant is considered likely benign or benign based on one or more of the following criteria: it is a conservative change, it occurs at a poorly conserved position in the protein, it is predicted to be benign by multiple in silico algorithms, and/or has population frequency not consistent with disease.

Laboratory for Molecular Medicine, Mass General Brigham Personalized Medicine
Classification: Benign. Last evaluated: 2012-05-07. Review status: criteria provided, single submitter. Criteria: LMM Criteria. Collection method: clinical testing. Allele origin: germline. Observed: 1,461 variant alleles.
Comment: "Ala259Ala in Exon 05 of KCNQ4: This variant is not expected to have clinical si gnificance because it does not alter an amino acid residue, is not located withi n the splice consensus sequence, and has been identified in 42.4% (1584/3738) of African American chromosomes from a broad population by the NHLBI Exome Sequenc ing Project (dbSNP rs4660468)."

Breakthrough Genomics
Classification: Benign. Review status: criteria provided, single submitter. Criteria: ACMG Guidelines, 2015. Collection method: not provided. Allele origin: germline. Inheritance: Autosomal dominant inheritance. Affected: yes.

PreventionGenetics, part of Exact Sciences
Classification: Benign. Review status: criteria provided, single submitter. Criteria: ACMG Guidelines, 2015. Collection method: clinical testing. Allele origin: germline.

Clinical Genetics DNA and cytogenetics Diagnostics Lab, Erasmus MC, Erasmus Medical Center
Classification: Likely benign. Review status: no assertion criteria provided. Collection method: clinical testing. Allele origin: germline. Affected: yes. Study: VKGL Data-share Consensus. Not counted in ClinVar's aggregate classification.

Diagnostic Laboratory, Department of Genetics, University Medical Center Groningen
Classification: Benign for Autosomal dominant nonsyndromic hearing loss 2A. Review status: no assertion criteria provided. Collection method: clinical testing. Allele origin: germline. Affected: yes. Study: VKGL Data-share Consensus. Not counted in ClinVar's aggregate classification.

Joint Genome Diagnostic Labs from Nijmegen and Maastricht, Radboudumc and MUMC+
Classification: Benign. Review status: no assertion criteria provided. Collection method: clinical testing. Allele origin: germline. Affected: yes. Study: VKGL Data-share Consensus. Not counted in ClinVar's aggregate classification.